The following is an entry in ClinVar:

NM_000355.4(TCN2):c.766T>G (p.Ser256Ala)

Gene: TCN2 (transcobalamin 2; plus strand). Cytogenetic location: 22q12.2.
Variant type: single nucleotide variant.
Coding change: c.766T>G on transcript NM_000355.4 (MANE Select); coding-DNA position 766, T replaced by G.
Protein change: p.Ser256Ala; replaces serine 256 with alanine.
Molecular consequence: missense variant.
Genome position (GRCh38, 1-based): chr22:30,615,613, T>G. VCF-style: chr22-30615613-T-G. GRCh37 (hg19) VCF-style: chr22-31011600-T-G.
Other names: c.685T>G, p.Ser229Ala (NM_001184726.2); short protein forms S256A, S229A.
Identifiers: ClinVar variation 1501472 (VCV001501472.5), dbSNP rs752978666, ClinGen allele CA323233678.

ClinVar aggregate classification (germline): Uncertain significance (1 of 4 stars; one submission).

Conditions:
Transcobalamin II deficiency (TCN2D). Also called: TC II DEFICIENCY; TCN2 DEFICIENCY; Transcolabamin II deficiency. Identifiers: Orphanet 859, MedGen C0342701, MONDO:0010149, OMIM 275350.

Allele frequency attached by ClinVar (database versions not stated): TOPMed below 0.00001; gnomAD 0.00001.
gnomAD v4.1: 10 of 1,613,896 alleles (0.00062%); highest among the groups gnomAD compares: Non-Finnish European, 0.00085%; no homozygotes.

Submission:

Labcorp Genetics (formerly Invitae), Labcorp
Classification: Uncertain significance for Transcobalamin II deficiency. Last evaluated: 2021-08-14. Review status: criteria provided, single submitter. Criteria: Invitae Variant Classification Sherloc (09022015). Collection method: clinical testing. Allele origin: germline.
Comment: This sequence change replaces serine with alanine at codon 256 of the TCN2 protein (p.Ser256Ala). The serine residue is moderately conserved and there is a moderate physicochemical difference between serine and alanine. This variant is not present in population databases (ExAC no frequency). This variant has not been reported in the literature in individuals affected with TCN2-related conditions. Algorithms developed to predict the effect of missense changes on protein structure and function output the following: SIFT: "Tolerated"; PolyPhen-2: "Benign"; Align-GVGD: "Class C0". The alanine amino acid residue is found in multiple mammalian species, which suggests that this missense change does not adversely affect protein function. In summary, the available evidence is currently insufficient to determine the role of this variant in disease. Therefore, it has been classified as a Variant of Uncertain Significance.